The following is an entry in ClinVar:

NM_014855.3(AP5Z1):c.*665T>C

Gene: AP5Z1 (adaptor related protein complex 5 subunit zeta 1; plus strand). Cytogenetic location: 7p22.1.
Variant type: single nucleotide variant.
Coding change: c.*665T>C on transcript NM_014855.3 (MANE Select); 665 bases downstream of the stop codon, T replaced by C.
Molecular consequence: 3 prime UTR variant. On other transcripts: non-coding transcript variant (1).
Genome position (GRCh38, 1-based): chr7:4,792,050, T>C. VCF-style: chr7-4792050-T-C. GRCh37 (hg19) VCF-style: chr7-4831681-T-C.
Other names: c.*665T>C (LRG_1247t1, NM_001364858.1).
Identifiers: ClinVar variation 360358 (VCV000360358.6), dbSNP rs78468795, ClinGen allele CA10629283.

ClinVar aggregate classification (germline): Likely benign. Review status: criteria provided, multiple submitters, no conflicts (2 of 4 stars). 2 submissions from 2 submitters: Likely benign (2). Last evaluated 2017-04-27.

Conditions:
Hereditary spastic paraplegia 48. Also called: SPASTIC PARAPLEGIA 48, AUTOSOMAL RECESSIVE; Spastic paraplegia 48. Identifiers: Orphanet 306511, MedGen C3150901, MONDO:0013342, OMIM 613647.

Allele frequency attached by ClinVar (database versions not stated): gnomAD exomes 0.01515; gnomAD 0.04086 and 0.04423; 1000 Genomes Project 0.04173; 1000 Genomes Project 30x 0.04497; TOPMed 0.04709.
gnomAD v4.1: 6,174 of 152,418 alleles (4.1%); highest among the groups gnomAD compares: African/African-American, 14%; 412 homozygotes.

Submissions (2):

Illumina Laboratory Services, Illumina
Classification: Likely benign for Hereditary spastic paraplegia 48. Last evaluated: 2017-04-27. Review status: criteria provided, single submitter. Criteria: ICSL Variant Classification Criteria 13 December 2019. Collection method: clinical testing. Allele origin: germline.
Comment: This variant was observed as part of a predisposition screen in an ostensibly healthy population. A literature search was performed for the gene, cDNA change, and amino acid change (where applicable). No publications were found based on this search. Allele frequency data from public databases allowed determination this variant is unlikely to cause disease. Therefore, this variant is classified as likely benign.

Breakthrough Genomics
Classification: Likely benign. Review status: criteria provided, single submitter. Criteria: ACMG Guidelines, 2015. Collection method: not provided. Allele origin: germline. Inheritance: Autosomal recessive inheritance. Affected: yes.